The following is an entry in ClinVar:

NM_001114753.3(ENG):c.953C>G (p.Pro318Arg)

Gene: ENG (endoglin; minus strand). Cytogenetic location: 9q34.11.
Variant type: single nucleotide variant.
Coding change: c.953C>G on transcript NM_001114753.3 (MANE Select); coding-DNA position 953, C replaced by G.
Protein change: p.Pro318Arg; replaces proline 318 with arginine.
Molecular consequence: missense variant.
Genome position (GRCh38, 1-based): chr9:127,824,838, G>C on the plus strand (C>G on the coding strand, the complement: ENG is on the minus strand). VCF-style: chr9-127824838-G-C. GRCh37 (hg19) VCF-style: chr9-130587117-G-C.
Other names: c.953C>G, p.Pro318Arg (NM_000118.4, NM_001406715.1); c.407C>G, p.Pro136Arg (NM_001278138.2); c.953C>G (NM_001114753.1); short protein forms P318R, P136R.
Identifiers: ClinVar variation 1044426 (VCV001044426.11), dbSNP rs1830567408, ClinGen allele CA374982089.

ClinVar aggregate classification (germline): Uncertain significance. Review status: criteria provided, multiple submitters, no conflicts (2 of 4 stars). 2 submissions from 2 submitters: Uncertain significance (2). Last evaluated 2026-03-31.

Conditions:
Hereditary hemorrhagic telangiectasia (HHT). Also called: Osler hemorrhagic telangiectasia syndrome; ORW DISEASE; Osler Weber Rendu syndrome; OSLER-RENDU-WEBER DISEASE. Identifiers: Orphanet 774, MedGen C0039445, MONDO:0019180. Disease mechanism: loss of function.
Cardiovascular phenotype. Identifiers: MedGen CN230736.

gnomAD v4.1: 1 of 1,596,242 alleles (0.000063%); highest among the groups gnomAD compares: Non-Finnish European, 0.000085%; no homozygotes.

Submissions (2):

Ambry Genetics
Classification: Uncertain significance for Cardiovascular phenotype. Last evaluated: 2026-03-31. Review status: criteria provided, single submitter. Criteria: Ambry Variant Classification Scheme 2023. Collection method: clinical testing. Allele origin: germline.
Comment: The p.P318R variant (also known as c.953C>G), located in coding exon 7 of the ENG gene, results from a C to G substitution at nucleotide position 953. The proline at codon 318 is replaced by arginine, an amino acid with dissimilar properties. This amino acid position is conserved. In addition, this alteration is predicted to be deleterious by in silico analysis. Based on the available evidence, the clinical significance of this variant remains unclear.

Labcorp Genetics (formerly Invitae), Labcorp
Classification: Uncertain significance for Hereditary hemorrhagic telangiectasia. Last evaluated: 2022-09-17. Review status: criteria provided, single submitter. Criteria: Invitae Variant Classification Sherloc (09022015). Collection method: clinical testing. Allele origin: germline.
Comment: In summary, the available evidence is currently insufficient to determine the role of this variant in disease. Therefore, it has been classified as a Variant of Uncertain Significance. Advanced modeling of protein sequence and biophysical properties (such as structural, functional, and spatial information, amino acid conservation, physicochemical variation, residue mobility, and thermodynamic stability) performed at Invitae indicates that this missense variant is expected to disrupt ENG protein function. ClinVar contains an entry for this variant (Variation ID: 1044426). This variant has not been reported in the literature in individuals affected with ENG-related conditions. This variant is not present in population databases (gnomAD no frequency). This sequence change replaces proline, which is neutral and non-polar, with arginine, which is basic and polar, at codon 318 of the ENG protein (p.Pro318Arg).